The following is an entry in ClinVar:

NM_001267550.2(TTN):c.92276_92280del (p.Arg30759fs)

Genes: TTN (titin; minus strand), TTN-AS1 (TTN antisense RNA 1; plus strand). Cytogenetic location: 2q31.2.
Variant type: Deletion.
Coding change: c.92276_92280del on transcript NM_001267550.2 (MANE Select); coding-DNA positions 92276 to 92280, 5 bases deleted (GAGAA; older notation c.92276_92280delGAGAA).
Protein change: p.Arg30759fs; shifts the reading frame from arginine 30759.
Molecular consequence: frameshift variant.
Genome position (GRCh38, 1-based): chr2:178,549,346-178,549,350, TTCTC deleted on the plus strand (GAGAA on the coding strand, the reverse complement: TTN is on the minus strand); deleting any 5 consecutive bases within chr2:178,549,346-178,549,354 gives the same sequence; the c. name uses the placement nearest the transcript's 3' end. VCF-style (leftmost placement, unchanged base first): chr2-178549345-TTTCTC-T. GRCh37 (hg19) VCF-style: chr2-179414072-TTTCTC-T.
Other names: c.87353_87357del, p.Arg29118fs (NM_001256850.1); c.65081_65085del, p.Arg21694fs (NM_003319.4); c.84572_84576del, p.Arg28191fs (NM_133378.4); c.65456_65460del, p.Arg21819fs (NM_133432.3); c.65657_65661del, p.Arg21886fs (NM_133437.4); short protein forms R21694fs, R21819fs, R21886fs, R28191fs, R29118fs, R30759fs.
Identifiers: ClinVar variation 4849722 (VCV004849722.1).
Genomic context (GRCh38, chr2:178,549,345, plus strand): 5'-TGAATCTTGTTTCAGAGATTGGTCGTTTGCTGATCACTTTTACCCATCTTGTGCTTTTCT[TTTCTC>T]TTCTTTCAAGGATATACTGTTGAATTTCACTGCCACCATCTGATTCTGGCCTTGCCCATG-3'

ClinVar aggregate classification (germline): Likely pathogenic (1 of 4 stars; one submission).

Conditions:
Tibial muscular dystrophy (TMD). Also called: UDD MYOPATHY; Udd Distal Myopathy – Tibial Muscular Dystrophy; Tibial muscular dystrophy, tardive. Identifiers: Orphanet 609, MedGen C1838244, MONDO:0010870, OMIM 600334.
Myopathy, myofibrillar, 9, with early respiratory failure (MFM9). Also called: Hereditary myopathy with early respiratory failure; EDSTROM MYOPATHY; MYOPATHY, PROXIMAL, WITH EARLY RESPIRATORY MUSCLE INVOLVEMENT; Myopathy, distal, with early respiratory failure, autosomal dominant. Identifiers: Orphanet 178464, Orphanet 34521, MedGen C1863599, MONDO:0011362, OMIM 603689.

Submission:

Diagnostics Services (NGS), CSIR - Centre For Cellular And Molecular Biology
Classification: Likely pathogenic for Tibial muscular dystrophy; Myopathy, myofibrillar, 9, with early respiratory failure. Last evaluated: 2026-04-01. Review status: criteria provided, single submitter. Criteria: ACMG Guidelines, 2015. Collection method: clinical testing. Allele origin: germline. Observed: 1 variant allele, 1 heterozygote.
Comment: The c.92276_92280del variant is not present in 1000 Genomes, EVS, gnomAD, Indian Exome Database or our internal database. This variant has neither been reported in the literature in individuals affected with TTN-related conditions nor reported to the HGMD, ClinVar or OMIM databases, in any affected individuals. In-silico pathogenicity prediction programs like MutationTaster2021, CADD, Franklin, Varsome etc predicted this variant to be likely deleterious. This variant causes frameshift at the 30759th amino acid position of the wild-type transcript which creates a premature translational stop signal at the altered transcript that may either result in translation of a truncated protein or cause nonsense mediated decay of the mRNA.